The following is an entry in ClinVar:

ClinVar aggregate classification (germline): Likely benign. Review status: criteria provided, single submitter (1 of 4 stars). 2 submissions from 2 submitters: Likely benign (1). 1 of the submissions does not count toward it. Last evaluated 2023-12-14.

Conditions:
Bardet-Biedl syndrome (BBS). Identifiers: Orphanet 110, MedGen C0752166, MONDO:0015229.
TRIM32-related disorder. Also called: TRIM32-related condition.

Allele frequency attached by ClinVar (database versions not stated): ExAC 0.00001; gnomAD 0.00001; gnomAD exomes 0.00001.
gnomAD v4.1: 13 of 1,614,212 alleles (0.00081%); highest among the groups gnomAD compares: Middle Eastern, 0.016%; no homozygotes.

Submissions (2):

Labcorp Genetics (formerly Invitae), Labcorp
Classification: Likely benign for Bardet-Biedl syndrome. Last evaluated: 2023-12-14. Review status: criteria provided, single submitter. Criteria: Invitae Variant Classification Sherloc (09022015). Collection method: clinical testing. Allele origin: germline.

PreventionGenetics, part of Exact Sciences
Classification: Likely benign for TRIM32-related condition. Last evaluated: 2022-07-13. Review status: no assertion criteria provided. Collection method: clinical testing. Allele origin: germline. Not counted in ClinVar's aggregate classification.
Comment: This variant is classified as likely benign based on ACMG/AMP sequence variant interpretation guidelines (Richards et al. 2015 PMID: 25741868, with internal and published modifications).

NM_012210.4(TRIM32):c.1161C>T (p.Val387=)

Genes: ASTN2 (astrotactin 2; minus strand), TRIM32 (tripartite motif containing 32; plus strand). Cytogenetic location: 9q33.1.
Variant type: single nucleotide variant.
Coding change: c.1161C>T on transcript NM_012210.4 (MANE Select); coding-DNA position 1161, C replaced by T.
Protein change: p.Val387=; no amino-acid change (valine 387 retained).
Molecular consequence: synonymous variant. On other transcripts: intron variant (3).
Genome position (GRCh38, 1-based): chr9:116,698,903, C>T. VCF-style: chr9-116698903-C-T. GRCh37 (hg19) VCF-style: chr9-119461182-C-T.
Other names: c.1161C>T, p.Val387= (NM_001379048.1, NM_001379049.1, NM_001379050.1 and 1 more transcripts); c.2653+26868G>A (NM_014010.5); c.2794+26868G>A (NM_001365069.1); c.2806+26868G>A (NM_001365068.1).
Identifiers: ClinVar variation 1609817 (VCV001609817.10), dbSNP rs751224092, ClinGen allele CA5211111.